The following is an entry in ClinVar:

ClinVar aggregate classification (germline): Uncertain significance (1 of 4 stars; one submission).

Submission:

Labcorp Genetics (formerly Invitae), Labcorp
Classification: Uncertain significance. Last evaluated: 2024-10-24. Review status: criteria provided, single submitter. Criteria: Invitae Variant Classification Sherloc (09022015). Collection method: clinical testing. Allele origin: germline.
Comment: This sequence change replaces proline, which is neutral and non-polar, with leucine, which is neutral and non-polar, at codon 1762 of the VPS13D protein (p.Pro1762Leu). This variant is not present in population databases (gnomAD no frequency). This variant has not been reported in the literature in individuals affected with VPS13D-related conditions. ClinVar contains an entry for this variant (Variation ID: 1713797). Invitae Evidence Modeling of protein sequence and biophysical properties (such as structural, functional, and spatial information, amino acid conservation, physicochemical variation, residue mobility, and thermodynamic stability) indicates that this missense variant is expected to disrupt VPS13D protein function with a positive predictive value of 80%. In summary, the available evidence is currently insufficient to determine the role of this variant in disease. Therefore, it has been classified as a Variant of Uncertain Significance.

NM_015378.4(VPS13D):c.5285C>T (p.Pro1762Leu)

Gene: VPS13D (vacuolar protein sorting 13 homolog D; plus strand). Cytogenetic location: 1p36.22.
Variant type: single nucleotide variant.
Coding change: c.5285C>T on transcript NM_015378.4 (MANE Select); coding-DNA position 5285, C replaced by T.
Protein change: p.Pro1762Leu; replaces proline 1762 with leucine.
Molecular consequence: missense variant.
Genome position (GRCh38, 1-based): chr1:12,283,387, C>T. VCF-style: chr1-12283387-C-T. GRCh37 (hg19) VCF-style: chr1-12343444-C-T.
Other names: c.5285C>T, p.Pro1762Leu (NM_018156.4); short protein forms P1762L.
Identifiers: ClinVar variation 1713797 (VCV001713797.5), dbSNP rs2524055031, ClinGen allele CA338483341.
Genomic context (GRCh38, chr1:12,283,387, plus strand): 5'-CCACCTCTGCGTCCCGGAAAAAGCAAAAGGAAGTCCAAGACAAGGACTATCCCTTGACCC[C>T]ACCTCCTTCTCCAACAGTGGATGAGCCCAAGATACTTGTTGGAAAGAGTAAATTTGATGA-3'
Protein context (NP_056193.2, residues 1752-1772): EVQDKDYPLT[Pro1762Leu]PPSPTVDEPK